The following is an entry in ClinVar:

NM_013352.4(DSE):c.1435T>G (p.Phe479Val)

Gene: DSE (dermatan sulfate epimerase; plus strand). Cytogenetic location: 6q22.1.
Variant type: single nucleotide variant.
Coding change: c.1435T>G on transcript NM_013352.4 (MANE Select); coding-DNA position 1435, T replaced by G.
Protein change: p.Phe479Val; replaces phenylalanine 479 with valine.
Molecular consequence: missense variant. On other transcripts: 3 prime UTR variant (2), non-coding transcript variant (1).
Genome position (GRCh38, 1-based): chr6:116,435,903, T>G. VCF-style: chr6-116435903-T-G. GRCh37 (hg19) VCF-style: chr6-116757066-T-G.
Other names: c.1435T>G, p.Phe479Val (NM_001080976.3, NM_001322937.2, NM_001322938.2); c.1492T>G, p.Phe498Val (NM_001322939.2); c.874T>G, p.Phe292Val (NM_001322940.2, NM_001322941.2); c.*300T>G (NM_001322943.2, NM_001322944.2); c.436T>G, p.Phe146Val (NM_001374520.1); c.400T>G, p.Phe134Val (NM_001374521.1); short protein forms F498V, F479V, F134V, F146V, F292V.
Identifiers: ClinVar variation 2745714 (VCV002745714.3), dbSNP rs2482299217, ClinGen allele CA365400648.

ClinVar aggregate classification (germline): Uncertain significance (1 of 4 stars; one submission).

Conditions:
Ehlers-Danlos syndrome, musculocontractural type 2 (EDSMC2). Identifiers: Orphanet 2953, MedGen C3809845, MONDO:0014236, OMIM 615539.

Submission:

Labcorp Genetics (formerly Invitae), Labcorp
Classification: Uncertain significance for Ehlers-Danlos syndrome, musculocontractural type 2. Last evaluated: 2023-10-03. Review status: criteria provided, single submitter. Criteria: Invitae Variant Classification Sherloc (09022015). Collection method: clinical testing. Allele origin: germline.
Comment: This sequence change replaces phenylalanine, which is neutral and non-polar, with valine, which is neutral and non-polar, at codon 479 of the DSE protein (p.Phe479Val). This variant is not present in population databases (gnomAD no frequency). This variant has not been reported in the literature in individuals affected with DSE-related conditions. Advanced modeling of protein sequence and biophysical properties (such as structural, functional, and spatial information, amino acid conservation, physicochemical variation, residue mobility, and thermodynamic stability) performed at Invitae indicates that this missense variant is not expected to disrupt DSE protein function. In summary, the available evidence is currently insufficient to determine the role of this variant in disease. Therefore, it has been classified as a Variant of Uncertain Significance.